The following is an entry in ClinVar:

NM_001382567.1(STIM1):c.1419G>T (p.Met473Ile)

Gene: STIM1 (stromal interaction molecule 1; plus strand). Cytogenetic location: 11p15.4.
Variant type: single nucleotide variant.
Coding change: c.1419G>T on transcript NM_001382567.1 (MANE Select); coding-DNA position 1419, G replaced by T.
Protein change: p.Met473Ile; replaces methionine 473 with isoleucine.
Molecular consequence: missense variant. On other transcripts: non-coding transcript variant (2).
Genome position (GRCh38, 1-based): chr11:4,083,443, G>T. VCF-style: chr11-4083443-G-T. GRCh37 (hg19) VCF-style: chr11-4104673-G-T.
Other names: c.930G>T, p.Met310Ile (NM_001382581.1, NM_001382580.1); c.1419G>T, p.Met473Ile (NM_003156.4, NM_001277961.3, NM_001277962.2); c.1197G>T, p.Met399Ile (NM_001382566.1, NM_001382573.1, NM_001382575.1 and 4 more transcripts); c.1440G>T, p.Met480Ile (NM_001382568.1); c.1284G>T, p.Met428Ile (NM_001382569.1); c.1191G>T, p.Met397Ile (NM_001382570.1); c.939G>T, p.Met313Ile (NM_001382571.1); short protein forms M313I, M399I, M480I, M428I, M310I, M397I, M473I.
Identifiers: ClinVar variation 3963218 (VCV003963218.2).

ClinVar aggregate classification (germline): Uncertain significance. Review status: criteria provided, multiple submitters, no conflicts (2 of 4 stars). 2 submissions from 2 submitters: Uncertain significance (2). Last evaluated 2025-05-16.

Conditions:
Inborn genetic diseases. Identifiers: MedGen C0950123, MeSH D030342.
Combined immunodeficiency due to STIM1 deficiency. Also called: STIM1 DEFICIENCY; IMMUNODEFICIENCY 10. Identifiers: Orphanet 169090, Orphanet 317430, MedGen C2748557, MONDO:0013008, OMIM 612783.
Myopathy with tubular aggregates (TAM). Also called: Tubular Aggregate Myopathy. Identifiers: Orphanet 2593, MedGen C0410207, MONDO:0008051.
Stormorken syndrome (STRMK). Also called: THROMBOCYTOPATHY, ASPLENIA, AND MIOSIS. Identifiers: Orphanet 3204, MedGen C1861451, MONDO:0008497, OMIM 185070.

gnomAD v4.1: 4 of 1,614,212 alleles (0.00025%); highest among the groups gnomAD compares: Admixed American, 0.005%; no homozygotes.

Submissions (2):

Ambry Genetics
Classification: Uncertain significance for Inborn genetic diseases. Last evaluated: 2025-05-16. Review status: criteria provided, single submitter. Criteria: Ambry Variant Classification Scheme 2023. Collection method: clinical testing. Allele origin: germline.

Labcorp Genetics (formerly Invitae), Labcorp
Classification: Uncertain significance for Myopathy with tubular aggregates; Combined immunodeficiency due to STIM1 deficiency; Stormorken syndrome. Last evaluated: 2025-03-24. Review status: criteria provided, single submitter. Criteria: Invitae Variant Classification Sherloc (09022015). Collection method: clinical testing. Allele origin: germline.
Comment: This sequence change replaces methionine, which is neutral and non-polar, with isoleucine, which is neutral and non-polar, at codon 473 of the STIM1 protein (p.Met473Ile). This variant is present in population databases (no rsID available, gnomAD 0.009%). This variant has not been reported in the literature in individuals affected with STIM1-related conditions. Invitae Evidence Modeling of protein sequence and biophysical properties (such as structural, functional, and spatial information, amino acid conservation, physicochemical variation, residue mobility, and thermodynamic stability) has been performed for this missense variant. However, the output from this modeling did not meet the statistical confidence thresholds required to predict the impact of this variant on STIM1 protein function. In summary, the available evidence is currently insufficient to determine the role of this variant in disease. Therefore, it has been classified as a Variant of Uncertain Significance.